The following is an entry in ClinVar:

NM_024675.4(PALB2):c.1665A>G (p.Lys555=)

Gene: PALB2 (partner and localizer of BRCA2; minus strand). Cytogenetic location: 16p12.2.
Variant type: single nucleotide variant.
Coding change: c.1665A>G on transcript NM_024675.4 (MANE Select); coding-DNA position 1665, A replaced by G.
Protein change: p.Lys555=; no amino-acid change (lysine 555 retained).
Molecular consequence: synonymous variant.
Genome position (GRCh38, 1-based): chr16:23,634,881, T>C on the plus strand (A>G on the coding strand, the complement: PALB2 is on the minus strand). VCF-style: chr16-23634881-T-C. GRCh37 (hg19) VCF-style: chr16-23646202-T-C.
Identifiers: ClinVar variation 794829 (VCV000794829.12), dbSNP rs45518838, ClinGen allele CA279498001.

ClinVar aggregate classification (germline): Benign/Likely benign. Review status: criteria provided, multiple submitters, no conflicts (2 of 4 stars). 3 submissions from 3 submitters: Benign (1); Likely benign (2). Last evaluated 2025-01-14.

Conditions:
Familial cancer of breast. Also called: hereditary breast carcinoma; Hereditary breast cancer; BREAST CANCER, FAMILIAL. Identifiers: Orphanet 227535, MedGen C0346153, MONDO:0016419, OMIM 114480. Disease mechanism: loss of function.
Hereditary cancer-predisposing syndrome. Also called: Neoplastic Syndromes, Hereditary; Hereditary neoplastic syndrome; Tumor predisposition; Hereditary Cancer Syndrome. Identifiers: Orphanet 140162, MedGen C0027672, MeSH D009386, MONDO:0015356.

Allele frequency attached by ClinVar (database versions not stated): gnomAD exomes below 0.00001.
gnomAD v4.1: 3 of 1,613,928 alleles (0.00019%); highest among the groups gnomAD compares: Non-Finnish European, 0.00025%; no homozygotes.

Submissions (3):

Myriad Genetics, Inc.
Classification: Benign for Familial cancer of breast. Last evaluated: 2025-01-14. Review status: criteria provided, single submitter. Criteria: Myriad Autosomal Dominant, Autosomal Recessive and X-Linked Classification Criteria (2023). Collection method: clinical testing. Allele origin: unknown.
Comment: This variant is considered benign. This variant is a silent/synonymous amino acid change and it is not expected to impact splicing.

Labcorp Genetics (formerly Invitae), Labcorp
Classification: Likely benign for Familial cancer of breast. Last evaluated: 2022-03-09. Review status: criteria provided, single submitter. Criteria: Invitae Variant Classification Sherloc (09022015). Collection method: clinical testing. Allele origin: germline.

Ambry Genetics
Classification: Likely benign for Hereditary cancer-predisposing syndrome. Last evaluated: 2020-12-14. Review status: criteria provided, single submitter. Criteria: Ambry Variant Classification Scheme 2023. Collection method: clinical testing. Allele origin: germline.